The following is an entry in ClinVar:

ClinVar aggregate classification (germline): Uncertain significance (1 of 4 stars; one submission).

Conditions:
Malignant hyperthermia, susceptibility to, 1 (MHS1). Also called: Anesthesia related hyperthermia; Malignant hyperpyrexia; Fulminating hyperpyrexia; Pharmacogenic myopathy; RYR1-Related Malignant Hyperthermia Susceptibility; Malignant hyperthermia suceptibility 1. Identifiers: Orphanet 423, MedGen C2930980, MONDO:0007783, OMIM 145600.

Submission:

All of Us Research Program, National Institutes of Health
Classification: Uncertain significance for Malignant hyperthermia, susceptibility to, 1. Last evaluated: 2024-07-20. Review status: criteria provided, single submitter. Criteria: ACMG Guidelines, 2015. Collection method: clinical testing. Allele origin: germline. Inheritance: Autosomal dominant inheritance. Observed: 1 variant allele, 1 heterozygote.
Comment: This missense variant replaces lysine with asparagine at codon 1376 of the RYR1 protein. Computational prediction suggests that this variant may not impact protein structure and function (internally defined REVEL score threshold <= 0.5, PMID: 27666373). To our knowledge, functional studies have not been reported for this variant. This variant has not been reported in individuals affected with RYR1-related disorders in the literature. This variant has not been identified in the general population by the Genome Aggregation Database (gnomAD). The available evidence is insufficient to determine the role of this variant in disease conclusively. Therefore, this variant is classified as a Variant of Uncertain Significance.

This study involves interpretation of variants in research participants for the purpose of population health screening. Participant phenotype was not available at the time of variant classification. Additional details can be found in publication PMID: 35346344, PMCID: PMC8962531

NM_000540.3(RYR1):c.4128G>C (p.Lys1376Asn)

Gene: RYR1 (ryanodine receptor 1; plus strand). Cytogenetic location: 19q13.2.
Variant type: single nucleotide variant.
Coding change: c.4128G>C on transcript NM_000540.3 (MANE Select); coding-DNA position 4128, G replaced by C.
Protein change: p.Lys1376Asn; replaces lysine 1376 with asparagine.
Molecular consequence: missense variant.
Genome position (GRCh38, 1-based): chr19:38,473,739, G>C. VCF-style: chr19-38473739-G-C. GRCh37 (hg19) VCF-style: chr19-38964379-G-C.
Other names: c.4128G>C, p.Lys1376Asn (NM_001042723.2); short protein forms K1376N.
Identifiers: ClinVar variation 3387702 (VCV003387702.1).
Genomic context (GRCh38, chr19:38,473,739, plus strand): 5'-CCCCGGGGGCACCCCGCAGGCGGGGGGAGAGGCGCAGCCCGCCAGGGCGGAGAATGAGAA[G>C]GATGCCACCACCGAGAAGAACAAGAAGAGAGGGTGAGTCGAGGGGGGCCCAGAGTGGGGA-3'
Protein context (NP_000531.2, residues 1366-1386): EAQPARAENE[Lys1376Asn]DATTEKNKKR